The following is an entry in ClinVar:

ClinVar aggregate classification (germline): Uncertain significance (1 of 4 stars; one submission).

Allele frequency attached by ClinVar (database versions not stated): TOPMed below 0.00001; gnomAD 0.00001.
gnomAD v4.1: 1 of 1,613,574 alleles (0.000062%); highest among the groups gnomAD compares: African/African-American, 0.0013%; no homozygotes.

Submission:

Labcorp Genetics (formerly Invitae), Labcorp
Classification: Uncertain significance. Last evaluated: 2024-04-25. Review status: criteria provided, single submitter. Criteria: Invitae Variant Classification Sherloc (09022015). Collection method: clinical testing. Allele origin: germline.
Comment: This sequence change replaces isoleucine, which is neutral and non-polar, with valine, which is neutral and non-polar, at codon 648 of the ROBO1 protein (p.Ile648Val). This variant is not present in population databases (gnomAD no frequency). This variant has not been reported in the literature in individuals affected with ROBO1-related conditions. Advanced modeling of protein sequence and biophysical properties (such as structural, functional, and spatial information, amino acid conservation, physicochemical variation, residue mobility, and thermodynamic stability) performed at Invitae indicates that this missense variant is not expected to disrupt ROBO1 protein function with a negative predictive value of 95%. In summary, the available evidence is currently insufficient to determine the role of this variant in disease. Therefore, it has been classified as a Variant of Uncertain Significance.

NM_002941.4(ROBO1):c.1942A>G (p.Ile648Val)

Gene: ROBO1 (roundabout guidance receptor 1; minus strand). Cytogenetic location: 3p12.3.
Variant type: single nucleotide variant.
Coding change: c.1942A>G on transcript NM_002941.4 (MANE Select); coding-DNA position 1942, A replaced by G.
Protein change: p.Ile648Val; replaces isoleucine 648 with valine.
Molecular consequence: missense variant.
Genome position (GRCh38, 1-based): chr3:78,667,907, T>C on the plus strand (A>G on the coding strand, the complement: ROBO1 is on the minus strand). VCF-style: chr3-78667907-T-C. GRCh37 (hg19) VCF-style: chr3-78717057-T-C.
Other names: c.1834A>G, p.Ile612Val (NM_001145844.1, NM_001145845.2, NM_133631.4); short protein forms I648V, I612V.
Identifiers: ClinVar variation 2796696 (VCV002796696.3), dbSNP rs1266519383, ClinGen allele CA353668044.